The following is an entry in ClinVar:

NM_000088.4(COL1A1):c.801C>T (p.His267=)

Genes: COL1A1 (collagen type I alpha 1 chain; minus strand), LOC126862586 (CDK7 strongly-dependent group 2 enhancer GRCh37_chr17:48273702-48274901; plus strand). Cytogenetic location: 17q21.33.
Variant type: single nucleotide variant.
Coding change: c.801C>T on transcript NM_000088.4 (MANE Select); coding-DNA position 801, C replaced by T.
Protein change: p.His267=; no amino-acid change (histidine 267 retained).
Molecular consequence: synonymous variant.
Genome position (GRCh38, 1-based): chr17:50,197,013, G>A on the plus strand (C>T on the coding strand, the complement: COL1A1 is on the minus strand). VCF-style: chr17-50197013-G-A. GRCh37 (hg19) VCF-style: chr17-48274374-G-A.
Identifiers: ClinVar variation 391380 (VCV000391380.3), dbSNP rs769689009, ClinGen allele CA8645552.

ClinVar aggregate classification (germline): Benign/Likely benign. Review status: criteria provided, multiple submitters, no conflicts (2 of 4 stars). 3 submissions from 3 submitters: Benign (1); Likely benign (2). Last evaluated 2025-09-01.

Conditions:
Cardiovascular phenotype. Identifiers: MedGen CN230736.
Osteogenesis imperfecta type I (OI1). Also called: Lobstein disease; Lobstein's Disease; OI, TYPE I; OSTEOGENESIS IMPERFECTA TARDA; OSTEOGENESIS IMPERFECTA WITH BLUE SCLERAE; Osteogenesis imperfecta type 1. Identifiers: Orphanet 216796, Orphanet 666, MedGen C0023931, MONDO:0008146, OMIM 166200. Disease mechanism: loss of function.

Allele frequency attached by ClinVar (database versions not stated): gnomAD below 0.00001 and 0.00001; ExAC 0.00002; gnomAD exomes 0.00002.
gnomAD v4.1: 12 of 1,614,044 alleles (0.00074%); highest among the groups gnomAD compares: South Asian, 0.012%; 1 homozygote.

Submissions (3):

Labcorp Genetics (formerly Invitae), Labcorp
Classification: Benign for Osteogenesis imperfecta type I. Last evaluated: 2025-09-01. Review status: criteria provided, single submitter. Criteria: Invitae Variant Classification Sherloc (09022015). Collection method: clinical testing. Allele origin: germline.

Ambry Genetics
Classification: Likely benign for Cardiovascular phenotype. Last evaluated: 2023-12-10. Review status: criteria provided, single submitter. Criteria: Ambry Variant Classification Scheme 2023. Collection method: clinical testing. Allele origin: germline.

GeneDx
Classification: Likely benign. Last evaluated: 2016-11-29. Review status: criteria provided, single submitter. Criteria: GeneDx Variant Classification (06012015). Collection method: clinical testing. Allele origin: germline. Affected: yes.
Comment: This variant is considered likely benign or benign based on one or more of the following criteria: it is a conservative change, it occurs at a poorly conserved position in the protein, it is predicted to be benign by multiple in silico algorithms, and/or has population frequency not consistent with disease.